The following is an entry in ClinVar:

ClinVar aggregate classification (germline): Uncertain significance. Review status: criteria provided, multiple submitters, no conflicts (2 of 4 stars). 2 submissions from 2 submitters: Uncertain significance (2). Last evaluated 2024-09-17.

Conditions:
Hereditary cancer-predisposing syndrome. Also called: Neoplastic Syndromes, Hereditary; Hereditary neoplastic syndrome; Tumor predisposition; Hereditary Cancer Syndrome. Identifiers: Orphanet 140162, MedGen C0027672, MeSH D009386, MONDO:0015356.

Allele frequency attached by ClinVar (database versions not stated): gnomAD exomes below 0.00001.
gnomAD v4.1: 1 of 1,610,582 alleles (0.000062%); highest among the groups gnomAD compares: Non-Finnish European, 0.000085%; no homozygotes.

Submissions (3):

Molecular Diagnostics Laboratory, Catalan Institute of Oncology
Classification: Uncertain significance for Hereditary cancer-predisposing syndrome. Last evaluated: 2024-09-17. Review status: criteria provided, single submitter. Criteria: ClinGen BRCA1BRCA2 ACMG Specifications BRCA1 V1.0.0. Collection method: clinical testing. Allele origin: germline.
Comment: PM2_Supporting BRCA1:c.-3G>T alters a nucleotide located in the untranslated mRNA region upstream of the ATG translational start site of the gene.It is not present in the population database gnomAD v2.1.1, non-cancer dataset (PM2_supporting). The SpliceAI algorithm results in a non-informative delta score (0.16) for the effect of this variant on splicing. 5'UTR variant, functional data considered only from assays that measure effect via mRNA and protein. Reported by one calibrated study incorporating mRNA effects to have a partial impact on protein function, between what was observed for benign and pathogenic control variants (PMID:30209399) (PS3 and BS3 not met). This variant has been reported in the ClinVar database (1x uncertain significance, 1x N/A), but has not been reported in LOVD and neither has been classified in BRCA Exchange database. Based on currently available information, the variant c.-3G>T should be considered an uncertain significance variant.

Ambry Genetics
Classification: Uncertain significance for Hereditary cancer-predisposing syndrome. Last evaluated: 2016-05-16. Review status: criteria provided, single submitter. Criteria: Ambry Variant Classification Scheme 2023. Collection method: clinical testing. Allele origin: germline.
Comment: The c.-3G>T variant is located in the 5' untranslated region (5&rsquo; UTR) of the BRCA1 gene. This variant results from a G to T substitution 3 bases upstream from the first translated codon. This variant was not reported in population based cohorts in the following databases: Database of Single Nucleotide Polymorphisms (dbSNP), NHLBI Exome Sequencing Project (ESP), and 1000 Genomes Project. In the ESP, this variant was not observed in 6501 samples (13002 alleles) with coverage at this position. To date, this alteration has been detected with an allele frequency of approximately 0.0004% (greater than 225000 alleles tested) in our clinical cohort. This nucleotide position is highly conserved in available vertebrate species. Since supporting evidence is limited at this time, the clinical significance of this alteration remains unclear.

Brotman Baty Institute, University of Washington
No classification provided (evidence only). Condition: Breast-ovarian cancer, familial 1. Review status: no classification provided. Collection method: in vitro. Allele origin: not applicable. Functional consequence: function_uncertain_variant. Not counted in ClinVar's aggregate classification.
ClinVar note: "not provided" was previously submitted as the classification for the variant. However, the classification appeared to be based only on an observation of functional data so it was converted to no classification on 2025-07-30.

NM_007294.4(BRCA1):c.-3G>T

Gene: BRCA1 (BRCA1 DNA repair associated; minus strand). Cytogenetic location: 17q21.31.
Variant type: single nucleotide variant.
Coding change: c.-3G>T on transcript NM_007294.4 (MANE Select); 3 bases upstream of the start codon, G replaced by T.
Molecular consequence: 5 prime UTR variant. On other transcripts: non-coding transcript variant (1).
Genome position (GRCh38, 1-based): chr17:43,124,099, C>A on the plus strand (G>T on the coding strand, the complement: BRCA1 is on the minus strand). VCF-style: chr17-43124099-C-A. GRCh37 (hg19) VCF-style: chr17-41276116-C-A.
Other names: c.-191G>T (NM_001407571.1, NM_001407853.1, NM_001407879.1 and 46 more transcripts); c.-3G>T (NM_001407581.1, NM_001407582.1, NM_001407583.1 and 193 more transcripts); c.-260G>T (NM_001407694.1, NM_001407724.1, NM_001407727.1 and 11 more transcripts); c.-264G>T (NM_001407695.1, NM_001408465.1); c.-405G>T (NM_001407696.1); c.-289G>T (NM_001407697.1, NM_001407846.1, NM_001407920.1); c.-90G>T (NM_001407698.1, NM_001407732.1, NM_001407736.1 and 23 more transcripts); c.-263G>T (NM_001407725.1, NM_001407730.1, NM_001407734.1 and 22 more transcripts); and 8 more.
Identifiers: ClinVar variation 441382 (VCV000441382.9), dbSNP rs273900720, ClinGen allele CA658653697.